The following is an entry in ClinVar:

NM_001001331.4(ATP2B2):c.2556C>G (p.Ile852Met)

Gene: ATP2B2 (ATPase plasma membrane Ca2+ transporting 2; minus strand). Cytogenetic location: 3p25.3.
Variant type: single nucleotide variant.
Coding change: c.2556C>G on transcript NM_001001331.4 (MANE Select); coding-DNA position 2556, C replaced by G.
Protein change: p.Ile852Met; replaces isoleucine 852 with methionine.
Molecular consequence: missense variant.
Genome position (GRCh38, 1-based): chr3:10,345,531, G>C on the plus strand (C>G on the coding strand, the complement: ATP2B2 is on the minus strand). VCF-style: chr3-10345531-G-C. GRCh37 (hg19) VCF-style: chr3-10387215-G-C.
Other names: c.2421C>G, p.Ile807Met (NM_001330611.3, NM_001353564.1, NM_001363862.1 and 1 more transcripts); short protein forms I807M, I852M.
Identifiers: ClinVar variation 3370801 (VCV003370801.1).

ClinVar aggregate classification (germline): Uncertain significance (1 of 4 stars; one submission).

Submission:

GeneDx
Classification: Uncertain significance. Last evaluated: 2024-03-10. Review status: criteria provided, single submitter. Criteria: GeneDx Variant Classification Process June 2021. Collection method: clinical testing. Allele origin: germline. Affected: yes.
Comment: Not observed at significant frequency in large population cohorts (gnomAD); In silico analysis supports that this missense variant has a deleterious effect on protein structure/function; Has not been previously published as pathogenic or benign to our knowledge